The following is an entry in ClinVar:

ClinVar aggregate classification (germline): Uncertain significance (1 of 4 stars; one submission).

Conditions:
Nephronophthisis. Also called: Juvenile Nephronophthisis. Identifiers: Orphanet 655, MedGen C0687120, MONDO:0019005, HP:0000090.

Submission:

Labcorp Genetics (formerly Invitae), Labcorp
Classification: Uncertain significance for Nephronophthisis. Last evaluated: 2022-06-27. Review status: criteria provided, single submitter. Criteria: Invitae Variant Classification Sherloc (09022015). Collection method: clinical testing. Allele origin: germline.
Comment: In summary, the available evidence is currently insufficient to determine the role of this variant in disease. Therefore, it has been classified as a Variant of Uncertain Significance. Algorithms developed to predict the effect of missense changes on protein structure and function are either unavailable or do not agree on the potential impact of this missense change (SIFT: "Deleterious"; PolyPhen-2: "Possibly Damaging"; Align-GVGD: "Class C0"). This variant has not been reported in the literature in individuals affected with NPHP4-related conditions. This variant is not present in population databases (gnomAD no frequency). This sequence change replaces glutamic acid, which is acidic and polar, with lysine, which is basic and polar, at codon 256 of the NPHP4 protein (p.Glu256Lys).

NM_015102.5(NPHP4):c.766G>A (p.Glu256Lys)

Gene: NPHP4 (nephrocystin 4; minus strand). Cytogenetic location: 1p36.31.
Variant type: single nucleotide variant.
Coding change: c.766G>A on transcript NM_015102.5 (MANE Select); coding-DNA position 766, G replaced by A.
Protein change: p.Glu256Lys; replaces glutamic acid 256 with lysine.
Molecular consequence: missense variant. On other transcripts: 5 prime UTR variant (1), non-coding transcript variant (1), intron variant (1).
Genome position (GRCh38, 1-based): chr1:5,952,744, C>T on the plus strand (G>A on the coding strand, the complement: NPHP4 is on the minus strand). VCF-style: chr1-5952744-C-T. GRCh37 (hg19) VCF-style: chr1-6012804-C-T.
Other names: c.-601G>A (NM_001291594.2); c.-556-4493G>A (NM_001291593.2); short protein forms E256K.
Identifiers: ClinVar variation 2011555 (VCV002011555.4), dbSNP rs1385684995, ClinGen allele CA338066771.